The following is an entry in ClinVar:

NM_024675.4(PALB2):c.1497G>A (p.Leu499=)

Gene: PALB2 (partner and localizer of BRCA2; minus strand). Cytogenetic location: 16p12.2.
Variant type: single nucleotide variant.
Coding change: c.1497G>A on transcript NM_024675.4 (MANE Select); coding-DNA position 1497, G replaced by A.
Protein change: p.Leu499=; no amino-acid change (leucine 499 retained).
Molecular consequence: synonymous variant.
Genome position (GRCh38, 1-based): chr16:23,635,049, C>T on the plus strand (G>A on the coding strand, the complement: PALB2 is on the minus strand). VCF-style: chr16-23635049-C-T. GRCh37 (hg19) VCF-style: chr16-23646370-C-T.
Identifiers: ClinVar variation 391674 (VCV000391674.23), dbSNP rs748315431, ClinGen allele CA7963702.

ClinVar aggregate classification (germline): Benign/Likely benign. Review status: criteria provided, multiple submitters, no conflicts (2 of 4 stars). 6 submissions from 6 submitters: Benign (1); Likely benign (5). Last evaluated 2025-04-09.

Conditions:
Fanconi anemia complementation group N. Also called: PALB2-Related Fanconi Anemia. Identifiers: Orphanet 84, MedGen C1835817, MONDO:0012565, OMIM 610832. Disease mechanism: loss of function.
Breast-ovarian cancer, familial, susceptibility to, 5 (BROVCA5). Identifiers: MedGen C5830615, MONDO:0957530, OMIM 620442.
Pancreatic cancer, susceptibility to, 3. Identifiers: Orphanet 1333, MedGen C3150547, MONDO:0013236, OMIM 613348.
Hereditary cancer-predisposing syndrome. Also called: Neoplastic Syndromes, Hereditary; Hereditary neoplastic syndrome; Tumor predisposition; Hereditary Cancer Syndrome. Identifiers: Orphanet 140162, MedGen C0027672, MeSH D009386, MONDO:0015356.
Familial cancer of breast. Also called: BREAST CANCER, FAMILIAL; hereditary breast carcinoma; Hereditary breast cancer. Identifiers: Orphanet 227535, MedGen C0346153, MONDO:0016419, OMIM 114480. Disease mechanism: loss of function.

Allele frequency attached by ClinVar (database versions not stated): gnomAD exomes below 0.00001 and 0.00001; ExAC 0.00001; TOPMed 0.00001.
gnomAD v4.1: 21 of 1,614,118 alleles (0.0013%); highest among the groups gnomAD compares: Non-Finnish European, 0.0017%; no homozygotes.

Submissions (6):

Labcorp Genetics (formerly Invitae), Labcorp
Classification: Likely benign for Familial cancer of breast. Last evaluated: 2025-04-09. Review status: criteria provided, single submitter. Criteria: Invitae Variant Classification Sherloc (09022015). Collection method: clinical testing. Allele origin: germline.

Myriad Genetics, Inc.
Classification: Benign for Familial cancer of breast. Last evaluated: 2025-01-13. Review status: criteria provided, single submitter. Criteria: Myriad Autosomal Dominant, Autosomal Recessive and X-Linked Classification Criteria (2023). Collection method: clinical testing. Allele origin: unknown.
Comment: This variant is considered benign. This variant is a silent/synonymous amino acid change and it is not expected to impact splicing.

Department of Pathology and Laboratory Medicine, Sinai Health System
Classification: Likely benign for Fanconi anemia complementation group N; Pancreatic cancer, susceptibility to, 3; Breast-ovarian cancer, familial, susceptibility to, 5. Last evaluated: 2020-09-03. Review status: criteria provided, single submitter. Criteria: ACMG Guidelines, 2015. Collection method: clinical testing. Allele origin: germline. Affected: no.

GeneDx
Classification: Likely benign. Last evaluated: 2019-04-15. Review status: criteria provided, single submitter. Criteria: GeneDx Variant Classification Process June 2021. Collection method: clinical testing. Allele origin: germline. Affected: yes.

Color Diagnostics, LLC DBA Color Health
Classification: Likely benign for Hereditary cancer-predisposing syndrome. Last evaluated: 2018-08-14. Review status: criteria provided, single submitter. Criteria: ACMG Guidelines, 2015. Collection method: clinical testing. Allele origin: germline.

Ambry Genetics
Classification: Likely benign for Hereditary cancer-predisposing syndrome. Last evaluated: 2016-01-05. Review status: criteria provided, single submitter. Criteria: Ambry Variant Classification Scheme 2023. Collection method: clinical testing. Allele origin: germline.